The following is an entry in ClinVar:

NM_001631.5(ALPI):c.98G>T (p.Arg33Leu)

Gene: ALPI (alkaline phosphatase, intestinal; plus strand). Cytogenetic location: 2q37.1.
Variant type: single nucleotide variant.
Coding change: c.98G>T on transcript NM_001631.5 (MANE Select); coding-DNA position 98, G replaced by T.
Protein change: p.Arg33Leu; replaces arginine 33 with leucine.
Molecular consequence: missense variant.
Genome position (GRCh38, 1-based): chr2:232,456,379, G>T. VCF-style: chr2-232456379-G-T. GRCh37 (hg19) VCF-style: chr2-233321089-G-T.
Other names: short protein forms R33L.
Identifiers: ClinVar variation 3037342 (VCV003037342.2), dbSNP rs61732026, ClinGen allele CA2166245.
Genomic context (GRCh38, chr2:232,456,379, plus strand): 5'-TGACCTGATCTCTACTCTCCCCCTGGCCAGCTGAGGAGGAGAACCCGGCCTTCTGGAACC[G>T]CCAGGCAGCTGAGGCCCTGGATGCTGCCAAGAAGCTGCAGCCCATCCAGAAGGTCGCCAA-3'
Protein context (NP_001622.2, residues 23-43): AEEENPAFWN[Arg33Leu]QAAEALDAAK

ClinVar aggregate classification (germline): Benign (0 of 4 stars; one submission).

Conditions:
ALPI-related disorder. Also called: ALPI-related condition.

Allele frequency attached by ClinVar (database versions not stated): ESP Exome Variant Server 0.00930; 1000 Genomes Project 30x 0.01265; 1000 Genomes Project 0.01278.
gnomAD v4.1: 2,308 of 1,614,020 alleles (0.14%); highest among the groups gnomAD compares: African/African-American, 2.7%; 22 homozygotes.

Submission:

PreventionGenetics, part of Exact Sciences
Classification: Benign for ALPI-related condition. Last evaluated: 2019-05-23. Review status: no assertion criteria provided. Collection method: clinical testing. Allele origin: germline.
Comment: This variant is classified as benign based on ACMG/AMP sequence variant interpretation guidelines (Richards et al. 2015 PMID: 25741868, with internal and published modifications).